The following is an entry in ClinVar:

NM_019066.5(MAGEL2):c.2297G>C (p.Arg766Pro)

Gene: MAGEL2 (MAGE family member L2; minus strand). Cytogenetic location: 15q11.2.
Variant type: single nucleotide variant.
Coding change: c.2297G>C on transcript NM_019066.5 (MANE Select); coding-DNA position 2297, G replaced by C.
Protein change: p.Arg766Pro; replaces arginine 766 with proline.
Molecular consequence: missense variant.
Genome position (GRCh38, 1-based): chr15:23,645,446, C>G on the plus strand (G>C on the coding strand, the complement: MAGEL2 is on the minus strand). VCF-style: chr15-23645446-C-G. GRCh37 (hg19) VCF-style: chr15-23890593-C-G.
Other names: short protein forms R766P.
Identifiers: ClinVar variation 4997375 (VCV004997375.2).
Genomic context (GRCh38, chr15:23,645,446, plus strand): 5'-GAGGGAGCAAAGGTCTCCGGTGTGGCAGGCAGGTTTTTCCAGGCAGCTGGCAGGTGTGCT[C>G]GCGCAGCTGACACTGCCTTGGGAGCACAGAAGGTGGCAGCAAAGATCATGCGGTCTTTTG-3'
Protein context (NP_061939.3, residues 756-776): FCAPKAVSAA[Arg766Pro]AHLPAAWKNL

ClinVar aggregate classification (germline): Uncertain significance. Review status: criteria provided, multiple submitters, no conflicts (2 of 4 stars). 2 submissions from 2 submitters: Uncertain significance (2). Last evaluated 2026-03-28.

Conditions:
MAGEL2-related disorder. Also called: MAGEL2-related condition.

Submissions (2):

GeneDx
Classification: Uncertain significance. Last evaluated: 2026-03-28. Review status: criteria provided, single submitter. Criteria: GeneDx Variant Classification Process June 2021. Collection method: clinical testing. Allele origin: germline.
Comment: Not observed at significant frequency in large population cohorts (gnomAD); Has not been previously published as pathogenic or benign to our knowledge; In silico analysis does not support a benign or deleterious effect of this variant on protein structure/function

PreventionGenetics, part of Exact Sciences
Classification: Uncertain significance for MAGEL2-related condition. Last evaluated: 2025-05-30. Review status: criteria provided, single submitter. Criteria: ACMG Guidelines, 2015. Collection method: clinical testing. Allele origin: germline.
Comment: The MAGEL2 c.2297G>C variant is predicted to result in the amino acid substitution p.Arg766Pro. To our knowledge, this variant has not been reported in the literature or in a large population database (gnomAD), indicating this variant is rare. At this time, the clinical significance of this variant is uncertain due to the absence of conclusive functional and genetic evidence.